The following is an entry in ClinVar:

ClinVar aggregate classification (germline): Likely pathogenic (1 of 4 stars; one submission).

Conditions:
Familial hypokalemia-hypomagnesemia (GTLMNS). Also called: HYPOMAGNESEMIA-HYPOKALEMIA, PRIMARY RENOTUBULAR, WITH HYPOCALCIURIA; gitelman syndrome; POTASSIUM AND MAGNESIUM DEPLETION. Identifiers: Orphanet 358, MedGen C0268450, MONDO:0009904, OMIM 263800.

Submission:

Clinical Genetics Unit, University of Padua
Classification: Likely pathogenic for Familial hypokalemia-hypomagnesemia. Last evaluated: 2025-01-01. Review status: criteria provided, single submitter. Criteria: ACMG Guidelines, 2015. Collection method: clinical testing. Allele origin: germline. Affected: yes. Observed: 2 variant alleles.
Comment: This variant is a complex allele: the two individual variants, here detected in cis, have both been reported as pathogenic (PMID: 34373523 and 21257614). Furthermore, the complex allele is not present in gnomAD (PM2); it was reported in trans in two patients with NM_000339.3:c.237_238dup and NM_000339.3:c.2981G>A, both pathogenic variants (PM3); it is a missense variant, which is the most common loss-of-function mechanism in SLC12A3 (PP2); interpretation software (Franklin) predicted a deleterious effect (PP3).

NM_001126108.2(SLC12A3):c.[1644C>G;1928C>T]

Variant type: Haplotype.
Identifiers: ClinVar variation 4813306 (VCV004813306.1).